The following is an entry in ClinVar:

NM_001365480.1(CCDC88A):c.2014A>C (p.Asn672His)

Gene: CCDC88A (coiled-coil and HOOK domain protein 88A; minus strand). Cytogenetic location: 2p16.1.
Variant type: single nucleotide variant.
Coding change: c.2014A>C on transcript NM_001365480.1 (MANE Select); coding-DNA position 2014, A replaced by C.
Protein change: p.Asn672His; replaces asparagine 672 with histidine.
Molecular consequence: missense variant.
Genome position (GRCh38, 1-based): chr2:55,334,807, T>G on the plus strand (A>C on the coding strand, the complement: CCDC88A is on the minus strand). VCF-style: chr2-55334807-T-G. GRCh37 (hg19) VCF-style: chr2-55561943-T-G.
Other names: c.2014A>C, p.Asn672His (NM_001135597.2, NM_001254943.2, NM_018084.5); short protein forms N672H.
Identifiers: ClinVar variation 1351446 (VCV001351446.6), dbSNP rs1408725395, ClinGen allele CA346901185.

ClinVar aggregate classification (germline): Uncertain significance (1 of 4 stars; one submission).

Allele frequency attached by ClinVar (database versions not stated): gnomAD exomes below 0.00001; TOPMed 0.00001.
gnomAD v4.1: 1 of 1,577,320 alleles (0.000063%); highest among the groups gnomAD compares: Admixed American, 0.0019%; no homozygotes.

Submission:

Labcorp Genetics (formerly Invitae), Labcorp
Classification: Uncertain significance. Last evaluated: 2023-02-03. Review status: criteria provided, single submitter. Criteria: Invitae Variant Classification Sherloc (09022015). Collection method: clinical testing. Allele origin: germline.
Comment: This sequence change replaces asparagine, which is neutral and polar, with histidine, which is basic and polar, at codon 672 of the CCDC88A protein (p.Asn672His). This variant is present in population databases (no rsID available, gnomAD 0.004%). This variant has not been reported in the literature in individuals affected with CCDC88A-related conditions. ClinVar contains an entry for this variant (Variation ID: 1351446). Algorithms developed to predict the effect of missense changes on protein structure and function are either unavailable or do not agree on the potential impact of this missense change (SIFT: "Deleterious"; PolyPhen-2: "Possibly Damaging"; Align-GVGD: "Class C0"). In summary, the available evidence is currently insufficient to determine the role of this variant in disease. Therefore, it has been classified as a Variant of Uncertain Significance.